The following is an entry in ClinVar:

NM_003560.4(PLA2G6):c.1778C>T (p.Pro593Leu)

Gene: PLA2G6 (phospholipase A2 group VI; minus strand). Cytogenetic location: 22q13.1.
Variant type: single nucleotide variant.
Coding change: c.1778C>T on transcript NM_003560.4 (MANE Select); coding-DNA position 1778, C replaced by T.
Protein change: p.Pro593Leu; replaces proline 593 with leucine.
Molecular consequence: missense variant.
Genome position (GRCh38, 1-based): chr22:38,116,176, G>A on the plus strand (C>T on the coding strand, the complement: PLA2G6 is on the minus strand). VCF-style: chr22-38116176-G-A. GRCh37 (hg19) VCF-style: chr22-38512183-G-A.
Other names: NM_003560.4(PLA2G6):c.1778C>T; p.Pro593Leu; c.1616C>T, p.Pro539Leu (NM_001004426.3, NM_001199562.3, NM_001349865.2 and 1 more transcripts); c.1778C>T, p.Pro593Leu (NM_001349864.2); c.1244C>T, p.Pro415Leu (NM_001349867.2); c.1100C>T, p.Pro367Leu (NM_001349868.2); c.1082C>T, p.Pro361Leu (NM_001349869.2); short protein forms P415L, P539L, P593L, P367L, P361L.
Identifiers: ClinVar variation 803690 (VCV000803690.10), dbSNP rs1451486649, ClinGen allele CA411525730.

ClinVar aggregate classification (germline): Conflicting classifications of pathogenicity. Review status: criteria provided, conflicting classifications (1 of 4 stars). 8 submissions from 8 submitters: Likely pathogenic (6); Uncertain significance (2). Last evaluated 2025-09-10.

Conditions:
Autosomal recessive Parkinson disease 14. Also called: PARKINSON DISEASE 14; DYSTONIA-PARKINSONISM, ADULT-ONSET. Identifiers: Orphanet 199351, MedGen C2751842, MONDO:0013060, OMIM 612953.
Infantile neuroaxonal dystrophy (NBIA2A). Also called: NEURODEGENERATION WITH BRAIN IRON ACCUMULATION 2A; Infantile neuroaxonal dystrophy 1; SEITELBERGER DISEASE. Identifiers: Orphanet 35069, MedGen C0270724, MONDO:0024457, OMIM 256600.
Neurodegeneration with brain iron accumulation 2B. Also called: aNAD; atypical Neuroaxonal Dystrophy (aNAD); NEUROAXONAL DYSTROPHY, ATYPICAL; NEURODEGENERATION WITH BRAIN IRON ACCUMULATION, PLA2G6-RELATED. Identifiers: Orphanet 35069, MedGen C1857747, MONDO:0012444, OMIM 610217.
Inborn genetic diseases. Identifiers: MedGen C0950123, MeSH D030342.
PLA2G6-associated neurodegeneration (PLAN). Also called: phospholipase A2-associated neurodegeneration. Identifiers: Orphanet 329303, MedGen CN204472, MONDO:0017998.

Allele frequency attached by ClinVar (database versions not stated): gnomAD exomes below 0.00001; TOPMed 0.00001.
gnomAD v4.1: 6 of 1,613,782 alleles (0.00037%); highest among the groups gnomAD compares: African/African-American, 0.0013%; no homozygotes.

Submissions (8):

Genomic Medicine Center of Excellence, King Faisal Specialist Hospital and Research Centre
Classification: Likely pathogenic for Infantile neuroaxonal dystrophy. Last evaluated: 2025-09-10. Review status: criteria provided, single submitter. Criteria: ACMG Guidelines, 2015. Collection method: clinical testing. Allele origin: germline.

Labcorp Genetics (formerly Invitae), Labcorp
Classification: Likely pathogenic for Infantile neuroaxonal dystrophy. Last evaluated: 2025-04-23. Review status: criteria provided, single submitter. Criteria: Invitae Variant Classification Sherloc (09022015). Collection method: clinical testing. Allele origin: germline.
Comment: This sequence change replaces proline, which is neutral and non-polar, with leucine, which is neutral and non-polar, at codon 593 of the PLA2G6 protein (p.Pro593Leu). This variant is present in population databases (no rsID available, gnomAD 0.007%). This missense change has been observed in individuals with PLA2G6-related conditions (PMID: 27516098, 37198191, 38590380). ClinVar contains an entry for this variant (Variation ID: 803690). Invitae Evidence Modeling of protein sequence and biophysical properties (such as structural, functional, and spatial information, amino acid conservation, physicochemical variation, residue mobility, and thermodynamic stability) indicates that this missense variant is expected to disrupt PLA2G6 protein function with a positive predictive value of 80%. In summary, the currently available evidence indicates that the variant is pathogenic, but additional data are needed to prove that conclusively. Therefore, this variant has been classified as Likely Pathogenic.

Fulgent Genetics
Classification: Likely pathogenic for Infantile neuroaxonal dystrophy; Neurodegeneration with brain iron accumulation 2B; Autosomal recessive Parkinson disease 14. Last evaluated: 2024-06-17. Review status: criteria provided, single submitter. Criteria: ACMG Guidelines, 2015. Collection method: clinical testing. Allele origin: germline.

Ambry Genetics
Classification: Uncertain significance for Inborn genetic diseases. Last evaluated: 2023-10-17. Review status: criteria provided, single submitter. Criteria: Ambry Variant Classification Scheme 2023. Collection method: clinical testing. Allele origin: germline.
Comment: The c.1778C>T (p.P593L) alteration is located in exon 13 (coding exon 12) of the PLA2G6 gene. This alteration results from a C to T substitution at nucleotide position 1778, causing the proline (P) at amino acid position 593 to be replaced by a leucine (L). Based on data from gnomAD, the T allele has an overall frequency of <0.001% (1/251038) total alleles studied. The highest observed frequency was 0.006% (1/16208) of African alleles. This amino acid position is highly conserved in available vertebrate species. This alteration is predicted to be deleterious by in silico analysis. Based on insufficient or conflicting evidence, the clinical significance of this alteration remains unclear.

Broad Center for Mendelian Genomics, Broad Institute of MIT and Harvard
Classification: Uncertain significance for PLA2G6-associated neurodegeneration. Last evaluated: 2023-01-24. Review status: criteria provided, single submitter. Criteria: ACMG Guidelines, 2015. Collection method: curation. Allele origin: germline. Inheritance: Autosomal recessive inheritance.
Comment: The p.Pro593Leu variant in PLA2G6 has been reported in 1 individual, in the compound heterozygous state, with PLA2G6-associated neurodegeneration (PMID: 27516098), and has been identified in 0.006% (1/16208) of African/African American chromosomes by the Genome Aggregation Database (gnomAD; dbSNP ID: rs1451486649). Although this variant has been seen in the general population in a heterozygous state, its frequency is low enough to be consistent with a recessive carrier frequency. This variant has also been reported in ClinVar (Variation ID#: 803690) and has been interpreted as likely pathogenic by Mendelics and Illumina Laboratory Services (Illumina). Computational prediction tools and conservation analyses suggest that this variant may impact the protein, though this information is not predictive enough to determine pathogenicity. In summary, the clinical significance of the p.Pro593Leu variant is uncertain. ACMG/AMP Criteria applied: PP3, PM2_supporting (Richards 2015).

Mendelics
Classification: Likely pathogenic for Infantile neuroaxonal dystrophy. Last evaluated: 2019-05-28. Review status: criteria provided, single submitter. Criteria: Mendelics Assertion Criteria 2017. Collection method: clinical testing. Allele origin: unknown.

Illumina Laboratory Services, Illumina
Classification: Likely pathogenic for Infantile neuroaxonal dystrophy. Last evaluated: 2019-02-14. Review status: criteria provided, single submitter. Criteria: ICSLVariantClassificationCriteria RUGD 01 April 2020. Collection method: clinical testing. Allele origin: unknown.
Comment: The PLA2G6 c.1778C>T (p.Pro593Leu) variant is a missense variant that has been reported in one study, in which it is found in a total of one compound heterozygous individual (Al-Maawali et al. 2016). Control data are unavailable for this variant, which is reported at a frequency of 0.000062 in the African population of the Genome Aggregation Database, but this is based on one allele in a region of good sequence coverage, so the variant is presumed to be rare. The variant is in the PNPLA domain of the protein and is predicted to be damaging by SIFT, Polyphen, and REVEL. Based on the location of the variant, its rarity, identification in an affected individual, and in silico predictions, the p.Pro593Leu variant is classified as likely pathogenic for infantile neuroaxonal dystrophy 1.

Neuberg Centre For Genomic Medicine, NCGM
Classification: Likely pathogenic for Infantile neuroaxonal dystrophy. Review status: criteria provided, single submitter. Criteria: ACMG Guidelines, 2015. Collection method: clinical testing. Allele origin: germline. Inheritance: Autosomal recessive inheritance. Affected: yes.
Comment: Additional evidence is required to prove the pathogenicity of this variant conclusively. For these reasons, this variant has been classified as Likely pathogenic.

Literature cited by the submitters: PubMed 27516098 (cited by Labcorp Genetics (formerly Invitae), Labcorp and Illumina Laboratory Services, Illumina); PubMed 37198191 (cited by Labcorp Genetics (formerly Invitae), Labcorp); PubMed 38590380 (cited by Labcorp Genetics (formerly Invitae), Labcorp).